The following is an entry in ClinVar:

ClinVar aggregate classification (germline): Uncertain significance (1 of 4 stars; one submission).

Submission:

Women's Health and Genetics/Laboratory Corporation of America, LabCorp
Classification: Uncertain significance. Last evaluated: 2024-08-14. Review status: criteria provided, single submitter. Criteria: LabCorp Variant Classification Summary - May 2015. Collection method: clinical testing. Allele origin: germline.
Comment: Variant summary: The variant involves the duplication of exon 1 in the B4GALT1 gene. A presumed nomenclature of c.(?_-168)_(412+1_413-1)dup has been designated for the purposes of this classification. The exact breakpoint at the 5' end of this variant is unknown, therefore this duplication may extend upstream of the annotated region of this gene. It is predicted to duplicate a segment including the initiation codon, therefore its impact on the encoded protein is unknown. The variant allele was found at a frequency of 0.00026 in 120780 control chromosomes in the gnomAD database (Structural Variants v4.1 dataset). This frequency is not significantly higher than estimated for a pathogenic variant in B4GALT1 causing B4GALT1-CDG, allowing no conclusion about variant significance. To our knowledge, no occurrence of c.(?_-168)_(412+1_413-1)dup in individuals affected with B4GALT1-CDG and no experimental evidence demonstrating its impact on protein function have been reported. ClinVar contains an entry for this variant (Variation ID: 1410460). Based on the evidence outlined above, the variant was classified as uncertain significance.

NC_000009.11:g.(33135423_33166755)_(33167335_?)dup

Gene: B4GALT1 (beta-1,4-galactosyltransferase 1; minus strand). Cytogenetic location: 9p21.1.
Variant type: Duplication.
Identifiers: ClinVar variation 3366809 (VCV003366809.1).